The following is an entry in ClinVar:

ClinVar aggregate classification (germline): Benign/Likely benign. Review status: criteria provided, multiple submitters, no conflicts (2 of 4 stars). 4 submissions from 4 submitters: Benign (2); Likely benign (1). 1 of the submissions does not count toward it. Last evaluated 2026-01-20.

Conditions:
FGF3-related disorder. Also called: FGF3-related condition.

Allele frequency attached by ClinVar (database versions not stated): gnomAD exomes 0.00020 and 0.00070; gnomAD 0.00034 and 0.00040; TOPMed 0.00061; 1000 Genomes Project 30x 0.00094; 1000 Genomes Project 0.00120; ExAC 0.00141.
gnomAD v4.1: 348 of 1,559,512 alleles (0.022%); highest among the groups gnomAD compares: East Asian, 0.74%; 4 homozygotes.

Submissions (4):

Labcorp Genetics (formerly Invitae), Labcorp
Classification: Benign. Last evaluated: 2026-01-20. Review status: criteria provided, single submitter. Criteria: Invitae Variant Classification Sherloc (09022015). Collection method: clinical testing. Allele origin: germline.

Blueprint Genetics
Classification: Benign. Last evaluated: 2024-11-18. Review status: criteria provided, single submitter. Criteria: ACMG Guidelines, 2015. Collection method: clinical testing. Allele origin: germline.

GeneDx
Classification: Likely benign. Last evaluated: 2020-07-15. Review status: criteria provided, single submitter. Criteria: GeneDx Variant Classification Process June 2021. Collection method: clinical testing. Allele origin: germline. Affected: yes.

PreventionGenetics, part of Exact Sciences
Classification: Benign for FGF3-related condition. Last evaluated: 2024-08-05. Review status: no assertion criteria provided. Collection method: clinical testing. Allele origin: germline. Not counted in ClinVar's aggregate classification.
Comment: This variant is classified as benign based on ACMG/AMP sequence variant interpretation guidelines (Richards et al. 2015 PMID: 25741868, with internal and published modifications).

NM_005247.4(FGF3):c.629G>A (p.Arg210Gln)

Gene: FGF3 (fibroblast growth factor 3; minus strand). Cytogenetic location: 11q13.3.
Variant type: single nucleotide variant.
Coding change: c.629G>A on transcript NM_005247.4 (MANE Select); coding-DNA position 629, G replaced by A.
Protein change: p.Arg210Gln; replaces arginine 210 with glutamine.
Molecular consequence: missense variant.
Genome position (GRCh38, 1-based): chr11:69,810,396, C>T on the plus strand (G>A on the coding strand, the complement: FGF3 is on the minus strand). VCF-style: chr11-69810396-C-T. GRCh37 (hg19) VCF-style: chr11-69625164-C-T.
Other names: short protein forms R210Q.
Identifiers: ClinVar variation 731238 (VCV000731238.13), dbSNP rs115452181, ClinGen allele CA6157019.